The following is an entry in ClinVar:

ClinVar aggregate classification (germline): Benign (1 of 4 stars; one submission).

Conditions:
Intellectual developmental disorder, X-linked 72. Also called: Intellectual disability, X-linked 72. Identifiers: Orphanet 777, MedGen C1846038, MONDO:0010289, OMIM 300271.

Allele frequency attached by ClinVar (database versions not stated): gnomAD 0.00711 and 0.00758; 1000 Genomes Project 30x 0.01186; TOPMed 0.00879; gnomAD exomes 0.00107; 1000 Genomes Project 0.01086.
gnomAD v4.1: 1,082 of 370,587 alleles (0.29%); highest among the groups gnomAD compares: African/African-American, 2.5%; 9 homozygotes.

Submission:

Illumina Laboratory Services, Illumina
Classification: Benign for Intellectual developmental disorder, X-linked 72. Last evaluated: 2018-01-12. Review status: criteria provided, single submitter. Criteria: ICSL Variant Classification Criteria 13 December 2019. Collection method: clinical testing. Allele origin: germline.
Comment: This variant was observed in the ICSL laboratory as part of a predisposition screen in an ostensibly healthy population. It had not been previously curated by ICSL or reported in the Human Gene Mutation Database (HGMD: prior to June 1st, 2018), and was therefore a candidate for classification through an automated scoring system. Utilizing variant allele frequency, disease prevalence and penetrance estimates, and inheritance mode, an automated score was calculated to assess if this variant is too frequent to cause the disease. Based on the score and internal cut-off values, a variant classified as benign is not then subjected to further curation. The score for this variant resulted in a classification of benign for this disease.

NM_171998.4(RAB39B):c.*282G>T

Gene: RAB39B (RAB39B, member RAS oncogene family; minus strand). Cytogenetic location: Xq28.
Variant type: single nucleotide variant.
Coding change: c.*282G>T on transcript NM_171998.4 (MANE Select); 282 bases downstream of the stop codon, G replaced by T.
Molecular consequence: 3 prime UTR variant.
Genome position (GRCh38, 1-based): chrX:155,260,521, C>A on the plus strand (G>T on the coding strand, the complement: RAB39B is on the minus strand). VCF-style: chrX-155260521-C-A. GRCh37 (hg19) VCF-style: chrX-154489806-C-A.
Identifiers: ClinVar variation 368144 (VCV000368144.5), dbSNP rs147213132, ClinGen allele CA10651796.